The following is an entry in ClinVar:

ClinVar aggregate classification (germline): Uncertain significance. Review status: criteria provided, multiple submitters, no conflicts (2 of 4 stars). 2 submissions from 2 submitters: Uncertain significance (2). Last evaluated 2026-09-17.

Conditions:
Factor H deficiency (CFHD). Also called: COMPLEMENT FACTOR H DEFICIENCY; CFH DEFICIENCY. Identifiers: Orphanet 200421, MedGen C0398777, MONDO:0012350, OMIM 609814.

Allele frequency attached by ClinVar (database versions not stated): TOPMed below 0.00001.

Submissions (2):

Genomenon, Inc
Classification: Uncertain significance for Factor H deficiency. Last evaluated: 2026-09-17. Review status: criteria provided, single submitter. Criteria: Genomenon Sequence Variant Interpretation Standards - Updated. Collection method: curation. Allele origin: germline. Affected: yes.
Comment: CFH p.Val17Gly (c.50T>G) is a missense variant that changes the amino acid at codon 17 from valine to glycine. This variant has been observed in at least one proband affected with complement factor H deficiency (PMID: 28637589). It is absent or not present at a significant frequency in gnomAD. In silico models predict that this variant is not damaging. In conclusion, we classify CFH p.Val17Gly (c.50T>G) as a variant of uncertain significance.

Labcorp Genetics (formerly Invitae), Labcorp
Classification: Uncertain significance. Last evaluated: 2025-12-27. Review status: criteria provided, single submitter. Criteria: Invitae Variant Classification Sherloc (09022015). Collection method: clinical testing. Allele origin: germline.
Comment: This sequence change replaces valine, which is neutral and non-polar, with glycine, which is neutral and non-polar, at codon 17 of the CFH protein (p.Val17Gly). This variant is not present in population databases (gnomAD no frequency). This missense change has been observed in individual(s) with partial factor H deficiency (PMID: 28637589). ClinVar contains an entry for this variant (Variation ID: 2734060). An algorithm developed to predict the effect of missense changes on protein structure and function (PolyPhen-2) suggests that this variant is likely to be tolerated. In summary, the available evidence is currently insufficient to determine the role of this variant in disease. Therefore, it has been classified as a Variant of Uncertain Significance.

Literature cited by the submitters: PubMed 28637589 (cited by Genomenon, Inc and Labcorp Genetics (formerly Invitae), Labcorp).

NM_000186.4(CFH):c.50T>G (p.Val17Gly)

Gene: CFH (complement factor H; plus strand). Cytogenetic location: 1q31.3.
Variant type: single nucleotide variant.
Coding change: c.50T>G on transcript NM_000186.4 (MANE Select); coding-DNA position 50, T replaced by G.
Protein change: p.Val17Gly; replaces valine 17 with glycine.
Molecular consequence: missense variant.
Genome position (GRCh38, 1-based): chr1:196,652,167, T>G. VCF-style: chr1-196652167-T-G. GRCh37 (hg19) VCF-style: chr1-196621297-T-G.
Other names: c.50T>G, p.Val17Gly (NM_001014975.3); short protein forms V17G.
Identifiers: ClinVar variation 2734060 (VCV002734060.5), dbSNP rs1308826580, ClinGen allele CA343989052.